The following is an entry in ClinVar:

ClinVar aggregate classification (germline): Benign/Likely benign. Review status: criteria provided, multiple submitters, no conflicts (2 of 4 stars). 2 submissions from 2 submitters: Benign (1); Likely benign (1). Last evaluated 2025-07-01.

gnomAD v4.1: 1,353 of 1,601,776 alleles (0.084%); highest among the groups gnomAD compares: African/African-American, 1.4%; 9 homozygotes.

Submissions (2):

CeGaT Center for Human Genetics Tuebingen
Classification: Benign. Last evaluated: 2025-07-01. Review status: criteria provided, single submitter. Criteria: CeGaT Center For Human Genetics Tuebingen Variant Classification Criteria Version 2. Collection method: clinical testing. Allele origin: germline. Affected: yes. Observed: 1 variant allele.
Comment: IRF3: BS1, BS2

Blueprint Genetics
Classification: Likely benign. Last evaluated: 2024-10-24. Review status: criteria provided, single submitter. Criteria: ACMG Guidelines, 2015. Collection method: clinical testing. Allele origin: germline.

NM_001571.6(IRF3):c.1087G>A (p.Val363Met)

Gene: IRF3 (interferon regulatory factor 3; minus strand). Cytogenetic location: 19q13.33.
Variant type: single nucleotide variant.
Coding change: c.1087G>A on transcript NM_001571.6 (MANE Select); coding-DNA position 1087, G replaced by A.
Protein change: p.Val363Met; replaces valine 363 with methionine.
Molecular consequence: missense variant. On other transcripts: non-coding transcript variant (1).
Genome position (GRCh38, 1-based): chr19:49,660,724, C>T on the plus strand (G>A on the coding strand, the complement: IRF3 is on the minus strand). VCF-style: chr19-49660724-C-T. GRCh37 (hg19) VCF-style: chr19-50163981-C-T.
Other names: c.1103G>A, p.Arg368His (NM_001197122.2); c.982G>A, p.Val328Met (NM_001197123.2); c.706G>A, p.Val236Met (NM_001197124.2); c.649G>A, p.Val217Met (NM_001197125.2, NM_001197126.2); c.268G>A, p.Val90Met (NM_001197127.2, NM_001197128.2); short protein forms R368H, V217M, V236M, V328M, V363M, V90M.
Identifiers: ClinVar variation 4083782 (VCV004083782.9).